The following is an entry in ClinVar:

ClinVar aggregate classification (germline): Uncertain significance. Review status: criteria provided, multiple submitters, no conflicts (2 of 4 stars). 7 submissions from 4 submitters: Uncertain significance (7). Last evaluated 2024-02-14.

Conditions:
Age related macular degeneration 4. Identifiers: MedGen C1853147, MONDO:0012540, OMIM 610698.
Inborn genetic diseases. Identifiers: MedGen C0950123, MeSH D030342.
Basal laminar drusen. Also called: DRUSEN OF BRUCH MEMBRANE; DRUSEN, CUTICULAR; DRUSEN, EARLY ADULT-ONSET, GROUPED. Identifiers: Orphanet 75376, MedGen C0730295, MONDO:0007472, OMIM 126700.
Factor H deficiency (CFHD). Also called: CFH DEFICIENCY; COMPLEMENT FACTOR H DEFICIENCY. Identifiers: Orphanet 200421, MedGen C0398777, MONDO:0012350, OMIM 609814.
Hemolytic uremic syndrome, atypical, susceptibility to, 1. Also called: AHUS, SUSCEPTIBILITY TO, 1. Identifiers: Orphanet 2134, Orphanet 90038, MedGen C2749604, MONDO:0009335, OMIM 235400. Disease mechanism: Other.

Allele frequency attached by ClinVar (database versions not stated): gnomAD 0.00001 and 0.00002; ExAC 0.00002; gnomAD exomes 0.00003 and 0.00004.
gnomAD v4.1: 59 of 1,612,806 alleles (0.0037%); highest among the groups gnomAD compares: East Asian, 0.0089%; no homozygotes.

Submissions (7):

Labcorp Genetics (formerly Invitae), Labcorp
Classification: Uncertain significance. Last evaluated: 2024-02-14. Review status: criteria provided, single submitter. Criteria: Invitae Variant Classification Sherloc (09022015). Collection method: clinical testing. Allele origin: germline.
Comment: This sequence change replaces threonine, which is neutral and polar, with methionine, which is neutral and non-polar, at codon 645 of the CFH protein (p.Thr645Met). This variant is present in population databases (rs749232210, gnomAD 0.006%). This variant has not been reported in the literature in individuals affected with CFH-related conditions. ClinVar contains an entry for this variant (Variation ID: 1319495). Algorithms developed to predict the effect of missense changes on protein structure and function output the following: SIFT: "Not Available"; PolyPhen-2: "Benign"; Align-GVGD: "Not Available". The methionine amino acid residue is found in multiple mammalian species, which suggests that this missense change does not adversely affect protein function. In summary, the available evidence is currently insufficient to determine the role of this variant in disease. Therefore, it has been classified as a Variant of Uncertain Significance.

Genome-Nilou Lab
Classification: Uncertain significance for Hemolytic uremic syndrome, atypical, susceptibility to, 1. Last evaluated: 2023-04-11. Review status: criteria provided, single submitter. Criteria: ACMG Guidelines, 2015. Collection method: clinical testing. Allele origin: germline. Affected: no.

Genome-Nilou Lab
Classification: Uncertain significance for Age related macular degeneration 4. Last evaluated: 2023-04-11. Review status: criteria provided, single submitter. Criteria: ACMG Guidelines, 2015. Collection method: clinical testing. Allele origin: germline. Affected: no.

Genome-Nilou Lab
Classification: Uncertain significance for Basal laminar drusen. Last evaluated: 2023-04-11. Review status: criteria provided, single submitter. Criteria: ACMG Guidelines, 2015. Collection method: clinical testing. Allele origin: germline. Affected: no.

Genome-Nilou Lab
Classification: Uncertain significance for Factor H deficiency. Last evaluated: 2023-04-11. Review status: criteria provided, single submitter. Criteria: ACMG Guidelines, 2015. Collection method: clinical testing. Allele origin: germline. Affected: no.

Institute for Clinical Genetics, University Hospital TU Dresden, University Hospital TU Dresden
Classification: Uncertain significance. Last evaluated: 2021-11-03. Review status: criteria provided, single submitter. Criteria: ACMG Guidelines, 2015. Collection method: clinical testing. Allele origin: germline.

Ambry Genetics
Classification: Uncertain significance for Inborn genetic diseases. Last evaluated: 2021-10-18. Review status: criteria provided, single submitter. Criteria: Ambry Variant Classification Scheme 2023. Collection method: clinical testing. Allele origin: germline.

NM_000186.4(CFH):c.1934C>T (p.Thr645Met)

Gene: CFH (complement factor H; plus strand). Cytogenetic location: 1q31.3.
Variant type: single nucleotide variant.
Coding change: c.1934C>T on transcript NM_000186.4 (MANE Select); coding-DNA position 1934, C replaced by T.
Protein change: p.Thr645Met; replaces threonine 645 with methionine.
Molecular consequence: missense variant.
Genome position (GRCh38, 1-based): chr1:196,726,530, C>T. VCF-style: chr1-196726530-C-T. GRCh37 (hg19) VCF-style: chr1-196695660-C-T.
Other names: short protein forms T645M.
Identifiers: ClinVar variation 1319495 (VCV001319495.10), dbSNP rs749232210, ClinGen allele CA1305531.